The following is an entry in ClinVar:

ClinVar aggregate classification (germline): Likely benign. Review status: criteria provided, multiple submitters, no conflicts (2 of 4 stars). 2 submissions from 2 submitters: Likely benign (2). Last evaluated 2018-06-14.

Allele frequency attached by ClinVar (database versions not stated): 1000 Genomes Project 0.00499; 1000 Genomes Project 30x 0.00593; TOPMed 0.01009; gnomAD 0.01088 and 0.01091.
gnomAD v4.1: 12,376 of 949,952 alleles (1.3%); highest among the groups gnomAD compares: Middle Eastern, 3%; 137 homozygotes.

Submissions (2):

GeneDx
Classification: Likely benign. Last evaluated: 2018-06-14. Review status: criteria provided, single submitter. Criteria: GeneDx Variant Classification (06012015). Collection method: clinical testing. Allele origin: germline. Affected: yes.
Comment: This variant is considered likely benign or benign based on one or more of the following criteria: it is a conservative change, it occurs at a poorly conserved position in the protein, it is predicted to be benign by multiple in silico algorithms, and/or has population frequency not consistent with disease.

Breakthrough Genomics
Classification: Likely benign. Review status: criteria provided, single submitter. Criteria: ACMG Guidelines, 2015. Collection method: not provided. Allele origin: germline. Inheritance: Autosomal recessive inheritance. Affected: yes.

NM_144628.4(TBC1D20):c.71-84C>T

Gene: TBC1D20 (TBC1 domain family member 20; minus strand). Cytogenetic location: 20p13.
Variant type: single nucleotide variant.
Coding change: c.71-84C>T on transcript NM_144628.4 (MANE Select); 84 bases into the intron before coding-DNA position 71, C replaced by T.
Molecular consequence: intron variant.
Genome position (GRCh38, 1-based): chr20:448,158, G>A on the plus strand (C>T on the coding strand, the complement: TBC1D20 is on the minus strand). VCF-style: chr20-448158-G-A. GRCh37 (hg19) VCF-style: chr20-428802-G-A.
Identifiers: ClinVar variation 670699 (VCV000670699.2), dbSNP rs74456975, ClinGen allele CA310630609.